The following is an entry in ClinVar:

NM_001128840.3(CACNA1D):c.3224G>A (p.Arg1075Gln)

Gene: CACNA1D (calcium voltage-gated channel subunit alpha1 D; plus strand). Cytogenetic location: 3p21.1.
Variant type: single nucleotide variant.
Coding change: c.3224G>A on transcript NM_001128840.3 (MANE Select); coding-DNA position 3224, G replaced by A.
Protein change: p.Arg1075Gln; replaces arginine 1075 with glutamine.
Molecular consequence: missense variant.
Genome position (GRCh38, 1-based): chr3:53,747,358, G>A. VCF-style: chr3-53747358-G-A. GRCh37 (hg19) VCF-style: chr3-53781385-G-A.
Other names: c.3284G>A, p.Arg1095Gln (NM_000720.4); c.3224G>A, p.Arg1075Gln (NM_001128839.3); short protein forms R1075Q, R1095Q.
Identifiers: ClinVar variation 2751761 (VCV002751761.3), dbSNP rs2473959134, ClinGen allele CA353247541.

ClinVar aggregate classification (germline): Uncertain significance (1 of 4 stars; one submission).

Allele frequency attached by ClinVar (database versions not stated): gnomAD exomes below 0.00001.
gnomAD v4.1: 1 of 1,613,830 alleles (0.000062%); highest among the groups gnomAD compares: Non-Finnish European, 0.000085%; no homozygotes.

Submission:

Labcorp Genetics (formerly Invitae), Labcorp
Classification: Uncertain significance. Last evaluated: 2023-08-10. Review status: criteria provided, single submitter. Criteria: Invitae Variant Classification Sherloc (09022015). Collection method: clinical testing. Allele origin: germline.
Comment: In summary, the available evidence is currently insufficient to determine the role of this variant in disease. Therefore, it has been classified as a Variant of Uncertain Significance. Advanced modeling of protein sequence and biophysical properties (such as structural, functional, and spatial information, amino acid conservation, physicochemical variation, residue mobility, and thermodynamic stability) performed at Invitae indicates that this missense variant is expected to disrupt CACNA1D protein function. This variant has not been reported in the literature in individuals affected with CACNA1D-related conditions. This variant is not present in population databases (gnomAD no frequency). This sequence change replaces arginine, which is basic and polar, with glutamine, which is neutral and polar, at codon 1095 of the CACNA1D protein (p.Arg1095Gln).